The following is an entry in ClinVar:

NM_001256012.3(MYH10):c.678G>A (p.Arg226=)

Gene: MYH10 (myosin heavy chain 10; minus strand). Cytogenetic location: 17p13.1.
Variant type: single nucleotide variant.
Coding change: c.678G>A on transcript NM_001256012.3 (MANE Select); coding-DNA position 678, G replaced by A.
Protein change: p.Arg226=; no amino-acid change (arginine 226 retained).
Molecular consequence: synonymous variant.
Genome position (GRCh38, 1-based): chr17:8,569,798, C>T on the plus strand (G>A on the coding strand, the complement: MYH10 is on the minus strand). VCF-style: chr17-8569798-C-T. GRCh37 (hg19) VCF-style: chr17-8473116-C-T.
Other names: c.675G>A, p.Arg225= (NM_001256095.2); c.678G>A, p.Arg226= (NM_001375266.1); c.648G>A, p.Arg216= (NM_005964.5).
Identifiers: ClinVar variation 3047040 (VCV003047040.2), dbSNP rs374035171, ClinGen allele CA8378063.
Genomic context (GRCh38, chr17:8,569,798, plus strand): 5'-ATTTTTCACAGTCTTCGCATTTCCAAATGATTCCAGAATTGGATTTGCTTGCAAAAGCTG[C>T]CGTTCAAGTTCCCCCTAAAAGACATTACACACACACAAATAAAAGCAGATGTACGTTAAT-3'
Protein context (NP_001242941.1, residues 216-236): KPVKHQGELE[Arg226=]QLLQANPILE

ClinVar aggregate classification (germline): Likely benign (0 of 4 stars; one submission).

Conditions:
MYH10-related disorder. Also called: MYH10-related condition.

Allele frequency attached by ClinVar (database versions not stated): gnomAD exomes 0.00001; gnomAD 0.00011; ESP Exome Variant Server 0.00023; ExAC 0.00003.
gnomAD v4.1: 28 of 1,611,170 alleles (0.0017%); highest among the groups gnomAD compares: African/African-American, 0.035%; no homozygotes.

Submission:

PreventionGenetics, part of Exact Sciences
Classification: Likely benign for MYH10-related condition. Last evaluated: 2023-01-12. Review status: no assertion criteria provided. Collection method: clinical testing. Allele origin: germline.
Comment: This variant is classified as likely benign based on ACMG/AMP sequence variant interpretation guidelines (Richards et al. 2015 PMID: 25741868, with internal and published modifications).